The following is an entry in ClinVar:

NM_001032283.3(TMPO):c.296C>G (p.Thr99Ser)

Gene: TMPO (thymopoietin; plus strand). Cytogenetic location: 12q23.1.
Variant type: single nucleotide variant.
Coding change: c.296C>G on transcript NM_001032283.3 (MANE Select); coding-DNA position 296, C replaced by G.
Protein change: p.Thr99Ser; replaces threonine 99 with serine.
Molecular consequence: missense variant.
Genome position (GRCh38, 1-based): chr12:98,527,902, C>G. VCF-style: chr12-98527902-C-G. GRCh37 (hg19) VCF-style: chr12-98921680-C-G.
Other names: c.296C>G, p.Thr99Ser (NM_001032284.3, NM_001307975.2, NM_003276.2); short protein forms T99S.
Identifiers: ClinVar variation 1389456 (VCV001389456.8), dbSNP rs529351559, ClinGen allele CA6732166.

ClinVar aggregate classification (germline): Uncertain significance. Review status: criteria provided, multiple submitters, no conflicts (2 of 4 stars). 2 submissions from 2 submitters: Uncertain significance (2). Last evaluated 2026-01-19.

Conditions:
Loeys-Dietz syndrome 2 (LDS2). Also called: TGFBR2-Related Loeys-Dietz Syndrome; Marfan Syndrome type 2; Marfan like connective tissue disorder; MFS 2; AORTIC ANEURYSM, FAMILIAL THORACIC 3; MARFAN SYNDROME, TYPE II. Identifiers: Orphanet 284973, Orphanet 558, MedGen C2674574, MONDO:0012427, OMIM 610168.

Allele frequency attached by ClinVar (database versions not stated): ExAC 0.00001; gnomAD 0.00001 and 0.00002; gnomAD exomes 0.00001; TOPMed 0.00001; 1000 Genomes Project 0.00020; 1000 Genomes Project 30x 0.00031.
gnomAD v4.1: 4 of 1,613,664 alleles (0.00025%); highest among the groups gnomAD compares: African/African-American, 0.0053%; no homozygotes.

Submissions (2):

Labcorp Genetics (formerly Invitae), Labcorp
Classification: Uncertain significance for Loeys-Dietz syndrome 2. Last evaluated: 2026-01-19. Review status: criteria provided, single submitter. Criteria: Invitae Variant Classification Sherloc (09022015). Collection method: clinical testing. Allele origin: germline.
Comment: This sequence change replaces threonine, which is neutral and polar, with serine, which is neutral and polar, at codon 99 of the TMPO protein (p.Thr99Ser). This variant is present in population databases (rs529351559, gnomAD 0.02%). This variant has not been reported in the literature in individuals affected with TMPO-related conditions. ClinVar contains an entry for this variant (Variation ID: 1389456). An algorithm developed to predict the effect of missense changes on protein structure and function (PolyPhen-2) suggests that this variant is likely to be disruptive. In summary, the available evidence is currently insufficient to determine the role of this variant in disease. Therefore, it has been classified as a Variant of Uncertain Significance.

Ambry Genetics
Classification: Uncertain significance. Last evaluated: 2025-12-11. Review status: criteria provided, single submitter. Criteria: Ambry Variant Classification Scheme 2023. Collection method: clinical testing. Allele origin: germline.